The following is an entry in ClinVar:

ClinVar aggregate classification (germline): Pathogenic. Review status: reviewed by expert panel (3 of 4 stars). 10 submissions from 10 submitters: Pathogenic (1). 9 of the submissions do not count toward it. Last evaluated 2016-09-08.

Conditions:
Hereditary cancer-predisposing syndrome. Also called: Tumor predisposition; Neoplastic Syndromes, Hereditary; Hereditary Cancer Syndrome; Hereditary neoplastic syndrome. Identifiers: Orphanet 140162, MedGen C0027672, MeSH D009386, MONDO:0015356.
Hereditary breast ovarian cancer syndrome. Also called: Hereditary breast and ovarian cancer syndrome (HBOC); Hereditary breast and ovarian cancer syndrome; Hereditary breast and ovarian cancer; Hereditary breast and/or ovarian cancer syndrome; Breast and ovarian cancer; BRCA1- and BRCA2-Associated Hereditary Breast and Ovarian Cancer. Identifiers: Orphanet 145, MedGen C0677776, MeSH D061325, MONDO:0003582. Disease mechanism: loss of function.
Breast-ovarian cancer, familial, susceptibility to, 1 (BROVCA1). Also called: OVARIAN CANCER, SUSCEPTIBILITY TO; BRCA1 Hereditary Breast and Ovarian Cancer. Identifiers: Orphanet 145, MedGen C2676676, MONDO:0011450, OMIM 604370. Disease mechanism: loss of function.

Submissions (10):

Evidence-based Network for the Interpretation of Germline Mutant Alleles (ENIGMA)
Classification: Pathogenic for Breast-ovarian cancer, familial, susceptibility to, 1. Last evaluated: 2016-09-08. Review status: reviewed by expert panel. Criteria: ENIGMA BRCA1/2 Classification Criteria (2015). Collection method: curation. Allele origin: germline.
Comment: Variant allele predicted to encode a truncated non-functional protein.

ARUP Laboratories, Molecular Genetics and Genomics, ARUP Laboratories
Classification: Pathogenic. Last evaluated: 2024-06-09. Review status: criteria provided, single submitter. Criteria: ARUP Molecular Germline Variant Investigation Process 2024. Collection method: clinical testing. Allele origin: germline. Not counted in ClinVar's aggregate classification.
Comment: The BRCA1 c.2443del; p.Ile815PhefsTer31 variant (rs80357598, ClinVar variation ID: 54572) is reported in the literature in exome cohorts with a family history of breast and/or ovarian cancer (Manickam 2018, Zhu 2020). This variant is also absent from the Genome Aggregation Database (v2.1.1), indicating it is not a common polymorphism. This variant causes a frameshift by deleting a single nucleotide, so it is predicted to result in a truncated protein or mRNA subject to nonsense-mediated decay. Based on available information, this variant is considered to be pathogenic. References: Manickam K et al. Exome Sequencing-Based Screening for BRCA1/2 Expected Pathogenic Variants Among Adult Biobank Participants. JAMA Netw Open. 2018 Sep 7;1(5):e182140. PMID: 30646163. Zhu Q et al. Whole-exome sequencing of ovarian cancer families uncovers putative predisposition genes. Int J Cancer. 2020 Apr 15;146(8):2147-2155. PMID: 31265121.

Baylor Genetics
Classification: Pathogenic for Breast-ovarian cancer, familial, susceptibility to, 1. Last evaluated: 2024-01-27. Review status: criteria provided, single submitter. Criteria: ACMG Guidelines, 2015. Collection method: clinical testing. Allele origin: unknown. Not counted in ClinVar's aggregate classification.

Labcorp Genetics (formerly Invitae), Labcorp
Classification: Pathogenic for Hereditary breast ovarian cancer syndrome. Last evaluated: 2023-12-24. Review status: criteria provided, single submitter. Criteria: Invitae Variant Classification Sherloc (09022015). Collection method: clinical testing. Allele origin: germline. Not counted in ClinVar's aggregate classification.
Comment: This sequence change creates a premature translational stop signal (p.Ile815Phefs*31) in the BRCA1 gene. It is expected to result in an absent or disrupted protein product. Loss-of-function variants in BRCA1 are known to be pathogenic (PMID: 20104584). This variant is not present in population databases (gnomAD no frequency). This variant has not been reported in the literature in individuals affected with BRCA1-related conditions. ClinVar contains an entry for this variant (Variation ID: 54572). For these reasons, this variant has been classified as Pathogenic.

Ambry Genetics
Classification: Pathogenic for Hereditary cancer-predisposing syndrome. Last evaluated: 2022-12-13. Review status: criteria provided, single submitter. Criteria: Ambry Variant Classification Scheme 2023. Collection method: clinical testing. Allele origin: germline. Not counted in ClinVar's aggregate classification.
Comment: The c.2443delA pathogenic mutation, located in coding exon 9 of the BRCA1 gene, results from a deletion of one nucleotide at nucleotide position 2443, causing a translational frameshift with a predicted alternate stop codon (p.I815Ffs*31). This variant is considered to be rare based on population cohorts in the Genome Aggregation Database (gnomAD). This alteration is expected to result in loss of function by premature protein truncation or nonsense-mediated mRNA decay. As such, this alteration is interpreted as a disease-causing mutation.

Women's Health and Genetics/Laboratory Corporation of America, LabCorp
Classification: Pathogenic for Hereditary breast ovarian cancer syndrome. Last evaluated: 2021-04-05. Review status: criteria provided, single submitter. Criteria: LabCorp Variant Classification Summary - May 2015. Collection method: clinical testing. Allele origin: germline. Not counted in ClinVar's aggregate classification.
Comment: Variant summary: BRCA1 c.2443delA (p.Ile815PhefsX31) results in a premature termination codon, predicted to cause a truncation of the encoded protein or absence of the protein due to nonsense mediated decay, which are commonly known mechanisms for disease. Truncations downstream of this position have been classified as pathogenic by our laboratory. The variant was absent in 250656 control chromosomes. c.2443delA has been reported in the literature in individuals affected with Hereditary Breast and/or Ovarian Cancer as well as in at-least one individual within a cohort of adult biobank participants who underwent exome sequencing (example, Judkins_2005, Manickam_2018, Zhu_2020). Three clinical diagnostic laboratories and one expert panel (ENIGMA) have submitted clinical-significance assessments for this variant to ClinVar after 2014 without evidence for independent evaluation. All submitters classified the variant as pathogenic. Based on the evidence outlined above, the variant was classified as pathogenic.

Sema4
Classification: Pathogenic for Hereditary cancer-predisposing syndrome. Last evaluated: 2021-03-03. Review status: criteria provided, single submitter. Criteria: Sema4 Curation Guidelines. Collection method: curation. Allele origin: germline. Not counted in ClinVar's aggregate classification.
Comment: The BRCA1 c.2443delA (p.I815Ffs*31) variant has been reported in heterozygosity in at least 1 individual with ovarian cancer (PMID: 32709856). It was also identified in an unaffected biobank participant, and was classified as pathogenic (PMID: 30646163). This variant causes a frameshift at amino acid 815 that results in premature termination 31 amino acids downstream. At this location, this is predicted to cause nonsense-mediated decay and result in an absent protein (loss of function). Loss of function variants in BRCA1 or BRCA2 are known to be pathogenic (PMID: 29446198). This variant is not reported in the population database Genome Aggregation Database (PMID: 32461654). This variant has been classified as pathogenic by a ClinGen-approved expert panel. Based on the current evidence available, this variant is interpreted as pathogenic.

Laboratory for Molecular Medicine, Mass General Brigham Personalized Medicine
Classification: Pathogenic for Hereditary breast ovarian cancer syndrome. Last evaluated: 2016-08-04. Review status: criteria provided, single submitter. Criteria: LMM Criteria. Collection method: clinical testing. Allele origin: germline. Inheritance: Autosomal dominant inheritance. Observed: 1 variant allele. Not counted in ClinVar's aggregate classification.
Comment: The p.Ile815fs variant in BRCA1 has been reported in 1 individual with breast an d ovarian cancer (Breast Cancer Information Core (BIC) database). It was also ab sent from large population studies. This variant is predicted to cause a framesh ift, which alters the protein?s amino acid sequence beginning at position 815 an d leads to a premature termination codon 31 amino acids downstream. This alterat ion is then predicted to lead to a truncated or absent protein. Heterozygous los s of function of the BRCA1 gene is an established disease mechanism for heredita ry breast and ovarian cancer (HBOC). In addition, this variant was classified as Pathogenic on September 8, 2016 by the ClinGen-approved ENIGMA expert panel (Cl inVar SCV000299769.2). In summary, this variant meets our criteria to be classif ied as pathogenic for autosomal dominant HBOC.

Sharing Clinical Reports Project (SCRP)
Classification: Pathogenic for Breast-ovarian cancer, familial 1. Last evaluated: 2010-02-08. Review status: no assertion criteria provided. Collection method: clinical testing. Allele origin: germline. Not counted in ClinVar's aggregate classification.

Breast Cancer Information Core (BIC) (BRCA1)
Classification: Pathogenic for Breast-ovarian cancer, familial 1. Last evaluated: 2004-02-20. Review status: no assertion criteria provided. Collection method: clinical testing. Allele origin: germline. Affected: yes. Observed: 1 variant allele. Not counted in ClinVar's aggregate classification.

Literature cited by the submitters: PubMed 20104584 (cited by Labcorp Genetics (formerly Invitae), Labcorp); PubMed 16267036 (cited by Women's Health and Genetics/Laboratory Corporation of America, LabCorp); PubMed 31265121 (cited by Women's Health and Genetics/Laboratory Corporation of America, LabCorp); PubMed 30646163 (cited by Women's Health and Genetics/Laboratory Corporation of America, LabCorp and Sema4); PubMed 32709856 (cited by Sema4); PubMed 29446198 (cited by Sema4).

NM_007294.4(BRCA1):c.2443del (p.Ile815fs)

Gene: BRCA1 (BRCA1 DNA repair associated; minus strand). Cytogenetic location: 17q21.31.
Variant type: Deletion.
Coding change: c.2443del on transcript NM_007294.4 (MANE Select); coding-DNA position 2443, one base deleted (A; older notation c.2443delA).
Protein change: p.Ile815fs; shifts the reading frame from isoleucine 815.
Molecular consequence: frameshift variant. On other transcripts: intron variant (137).
Genome position (GRCh38, 1-based): chr17:43,093,088, T deleted on the plus strand (A on the coding strand, the reverse complement: BRCA1 is on the minus strand); the first of 2 consecutive T bases (chr17:43,093,088-43,093,089); deleting either gives the same sequence. VCF-style (leftmost placement, unchanged base first): chr17-43093087-AT-A. GRCh37 (hg19) VCF-style: chr17-41245104-AT-A.
Other names: 2562delA; c.2443delA (NM_007294.3); c.646+1656del (NM_001408466.1, NM_001408452.1, NM_001408457.1 and 11 more transcripts); c.523+1656del (NM_001408497.1, NM_001408496.1, NM_001408499.1 and 3 more transcripts); c.787+1656del (NM_001407973.1, NM_001408403.1, NM_001407983.1 and 17 more transcripts); c.404-2056del (NM_001408511.1); c.520+1656del (NM_001408505.1, NM_001408504.1, NM_001408503.1); c.461-2056del (NM_001408507.1, NM_001408506.1); and 43 more; short protein forms I815fs, I768fs, I703fs, I726fs, I745fs, I774fs, I789fs, I812fs.
Identifiers: ClinVar variation 54572 (VCV000054572.22), dbSNP rs80357598, ClinGen allele CA001632.